The following is an entry in ClinVar:

ClinVar aggregate classification (germline): Pathogenic (1 of 4 stars; one submission).

Allele frequency attached by ClinVar (database versions not stated): gnomAD exomes below 0.00001 and 0.00001; ExAC 0.00001; gnomAD 0.00001; TOPMed 0.00002; 1000 Genomes Project 30x 0.00016.
gnomAD v4.1: 8 of 1,614,156 alleles (0.0005%); highest among the groups gnomAD compares: Admixed American, 0.0017%; no homozygotes.

Submission:

Labcorp Genetics (formerly Invitae), Labcorp
Classification: Pathogenic. Last evaluated: 2024-10-25. Review status: criteria provided, single submitter. Criteria: Invitae Variant Classification Sherloc (09022015). Collection method: clinical testing. Allele origin: germline.
Comment: This sequence change creates a premature translational stop signal (p.Trp920*) in the CNGB1 gene. It is expected to result in an absent or disrupted protein product. Loss-of-function variants in CNGB1 are known to be pathogenic (PMID: 15557452, 24043777). This variant is present in population databases (rs776312649, gnomAD 0.007%). This premature translational stop signal has been observed in individual(s) with retinitis pigmentosa (PMID: 26306921). ClinVar contains an entry for this variant (Variation ID: 963735). For these reasons, this variant has been classified as Pathogenic.

Literature cited by the submitters: PubMed 15557452; PubMed 24043777; PubMed 26306921.

NM_001297.5(CNGB1):c.2760G>A (p.Trp920Ter)

Gene: CNGB1 (cyclic nucleotide gated channel subunit beta 1; minus strand). Cytogenetic location: 16q21.
Variant type: single nucleotide variant.
Coding change: c.2760G>A on transcript NM_001297.5 (MANE Select); coding-DNA position 2760, G replaced by A.
Protein change: p.Trp920Ter; replaces tryptophan 920 with a stop codon.
Molecular consequence: nonsense.
Genome position (GRCh38, 1-based): chr16:57,903,856, C>T on the plus strand (G>A on the coding strand, the complement: CNGB1 is on the minus strand). VCF-style: chr16-57903856-C-T. GRCh37 (hg19) VCF-style: chr16-57937760-C-T.
Other names: c.2742G>A, p.Trp914Ter (NM_001286130.2); short protein forms W914*, W920*.
Identifiers: ClinVar variation 963735 (VCV000963735.9), dbSNP rs776312649, ClinGen allele CA8082838.